The following is an entry in ClinVar:

ClinVar aggregate classification (germline): Uncertain significance (1 of 4 stars; one submission).

Submission:

Labcorp Genetics (formerly Invitae), Labcorp
Classification: Uncertain significance. Last evaluated: 2025-09-16. Review status: criteria provided, single submitter. Criteria: Invitae Variant Classification Sherloc (09022015). Collection method: clinical testing. Allele origin: germline.
Comment: This sequence change replaces asparagine, which is neutral and polar, with lysine, which is basic and polar, at codon 78 of the FH protein (p.Asn78Lys). This variant is not present in population databases (gnomAD no frequency). This variant has not been reported in the literature in individuals affected with FH-related conditions. ClinVar contains an entry for this variant (Variation ID: 3717657). Invitae Evidence Modeling of protein sequence and biophysical properties (such as structural, functional, and spatial information, amino acid conservation, physicochemical variation, residue mobility, and thermodynamic stability) indicates that this missense variant is expected to disrupt FH protein function with a positive predictive value of 95%. In summary, the available evidence is currently insufficient to determine the role of this variant in disease. Therefore, it has been classified as a Variant of Uncertain Significance.

NM_000143.4(FH):c.234C>G (p.Asn78Lys)

Gene: FH (fumarate hydratase; minus strand). Cytogenetic location: 1q43.
Variant type: single nucleotide variant.
Coding change: c.234C>G on transcript NM_000143.4 (MANE Select); coding-DNA position 234, C replaced by G.
Protein change: p.Asn78Lys; replaces asparagine 78 with lysine.
Molecular consequence: missense variant.
Genome position (GRCh38, 1-based): chr1:241,517,215, G>C on the plus strand (C>G on the coding strand, the complement: FH is on the minus strand). VCF-style: chr1-241517215-G-C. GRCh37 (hg19) VCF-style: chr1-241680515-G-C.
Other names: short protein forms N78K.
Identifiers: ClinVar variation 3717657 (VCV003717657.2).